The following is an entry in ClinVar:

ClinVar aggregate classification (germline): Pathogenic/Likely pathogenic. Review status: criteria provided, multiple submitters, no conflicts (2 of 4 stars). 2 submissions from 2 submitters: Pathogenic (1); Likely pathogenic (1). Last evaluated 2024-11-21.

Conditions:
Muscular dystrophy-dystroglycanopathy (congenital with brain and eye anomalies), type A1 (MDDGA1). Also called: Hydrocephalus, agyria and retinal dysplasia; Hard +/- E syndrome; Warburg syndrome; Chemke syndrome; Pagon syndrome; Cerebroocular dysgenesis. Identifiers: Orphanet 588, Orphanet 899, MedGen C4284790, MONDO:0009364, OMIM 236670.

Submissions (2):

GeneDx
Classification: Pathogenic. Last evaluated: 2024-11-21. Review status: criteria provided, single submitter. Criteria: GeneDx Variant Classification Process June 2021. Collection method: clinical testing. Allele origin: germline. Affected: yes.
Comment: Canonical splice site variant predicted to result in a null allele in a gene for which loss of function is a known mechanism of disease; Not observed at significant frequency in large population cohorts (gnomAD); Has not been previously published as pathogenic or benign to our knowledge

Baylor Genetics
Classification: Likely pathogenic for Muscular dystrophy-dystroglycanopathy (congenital with brain and eye anomalies), type A1. Last evaluated: 2022-07-09. Review status: criteria provided, single submitter. Criteria: ACMG Guidelines, 2015. Collection method: clinical testing. Allele origin: unknown.

NM_001077365.2(POMT1):c.1175+2dup

Gene: POMT1 (protein O-mannosyltransferase 1; plus strand). Cytogenetic location: 9q34.13.
Variant type: Duplication.
Coding change: c.1175+2dup on transcript NM_001077365.2 (MANE Select); the canonical splice donor site of the intron after coding-DNA position 1175, one base duplicated (T; older notation c.1175+2dupT).
Molecular consequence: splice donor variant. On other transcripts: intron variant (1).
Genome position (GRCh38, 1-based): chr9:131,513,333, T duplicated. VCF-style (leftmost placement, unchanged base first): chr9-131513332-G-GT. GRCh37 (hg19) VCF-style: chr9-134388719-G-GT.
Other names: c.1241+2dupT (NM_007171.3); c.1079+2dup (NM_001353198.2, NM_001353197.2); c.1241+2dup (NM_001353193.2, NM_007171.4); c.1175+2dup (NM_001136113.2, NM_001374690.1); c.1013+2dup (NM_001353194.2, NM_001077366.2); c.824+2dup (NM_001374691.1, NM_001353195.2, NM_001374692.1 and 1 more transcripts); c.1085+2dup (NM_001353196.2); c.785+2dup (NM_001374695.1); and 4 more.
Identifiers: ClinVar variation 280760 (VCV000280760.3), dbSNP rs886041907, ClinGen allele CA10603156.